The following is an entry in ClinVar:

NM_133433.4(NIPBL):c.2137A>G (p.Thr713Ala)

Gene: NIPBL (NIPBL cohesin loading factor; plus strand). Cytogenetic location: 5p13.2.
Variant type: single nucleotide variant.
Coding change: c.2137A>G on transcript NM_133433.4 (MANE Select); coding-DNA position 2137, A replaced by G.
Protein change: p.Thr713Ala; replaces threonine 713 with alanine.
Molecular consequence: missense variant.
Genome position (GRCh38, 1-based): chr5:36,985,317, A>G. VCF-style: chr5-36985317-A-G. GRCh37 (hg19) VCF-style: chr5-36985419-A-G.
Other names: c.2137A>G, p.Thr713Ala (NM_015384.5); short protein forms T713A.
Identifiers: ClinVar variation 906550 (VCV000906550.10), dbSNP rs773534683, ClinGen allele CA3236132.

ClinVar aggregate classification (germline): Conflicting classifications of pathogenicity. Review status: criteria provided, conflicting classifications (1 of 4 stars). 5 submissions from 5 submitters: Uncertain significance (3); Likely benign (1). 1 of the submissions does not count toward it. Last evaluated 2025-01-18.

Conditions:
Inborn genetic diseases. Identifiers: MedGen C0950123, MeSH D030342.
Cornelia de Lange syndrome 1 (CDLS1). Also called: Brachmann de Lange syndrome; NIPBL-Related Cornelia de Lange Syndrome; TYPUS DEGENERATIVUS AMSTELODAMENSIS. Identifiers: Orphanet 199, MedGen C4551851, MONDO:0007387, OMIM 122470.
NIPBL-related disorder. Also called: NIPBL-related condition.

Allele frequency attached by ClinVar (database versions not stated): ExAC 0.00001; gnomAD exomes 0.00001; TOPMed 0.00003; gnomAD 0.00004 and 0.00005.

Submissions (5):

Ambry Genetics
Classification: Likely benign for Inborn genetic diseases. Last evaluated: 2025-01-18. Review status: criteria provided, single submitter. Criteria: Ambry Variant Classification Scheme 2023. Collection method: clinical testing. Allele origin: germline.

Fulgent Genetics
Classification: Uncertain significance for Cornelia de Lange syndrome 1. Last evaluated: 2024-03-18. Review status: criteria provided, single submitter. Criteria: ACMG Guidelines, 2015. Collection method: clinical testing. Allele origin: germline.

Labcorp Genetics (formerly Invitae), Labcorp
Classification: Uncertain significance for Cornelia de Lange syndrome 1. Last evaluated: 2023-11-18. Review status: criteria provided, single submitter. Criteria: Invitae Variant Classification Sherloc (09022015). Collection method: clinical testing. Allele origin: germline.
Comment: This sequence change replaces threonine, which is neutral and polar, with alanine, which is neutral and non-polar, at codon 713 of the NIPBL protein (p.Thr713Ala). This variant is present in population databases (rs773534683, gnomAD 0.02%). This variant has not been reported in the literature in individuals affected with NIPBL-related conditions. ClinVar contains an entry for this variant (Variation ID: 906550). Advanced modeling of protein sequence and biophysical properties (such as structural, functional, and spatial information, amino acid conservation, physicochemical variation, residue mobility, and thermodynamic stability) has been performed at Invitae for this missense variant, however the output from this modeling did not meet the statistical confidence thresholds required to predict the impact of this variant on NIPBL protein function. In summary, the available evidence is currently insufficient to determine the role of this variant in disease. Therefore, it has been classified as a Variant of Uncertain Significance.

Illumina Laboratory Services, Illumina
Classification: Uncertain significance for Cornelia de Lange syndrome 1. Last evaluated: 2018-01-12. Review status: criteria provided, single submitter. Criteria: ICSL Variant Classification Criteria 13 December 2019. Collection method: clinical testing. Allele origin: germline.

PreventionGenetics, part of Exact Sciences
Classification: Uncertain significance for NIPBL-related condition. Last evaluated: 2024-04-04. Review status: no assertion criteria provided. Collection method: clinical testing. Allele origin: germline. Not counted in ClinVar's aggregate classification.
Comment: The NIPBL c.2137A>G variant is predicted to result in the amino acid substitution p.Thr713Ala. To our knowledge, this variant has not been reported in the literature. This variant is reported in 0.016% of alleles in individuals of African descent in gnomAD. At this time, the clinical significance of this variant is uncertain due to the absence of conclusive functional and genetic evidence.